The following is an entry in ClinVar:

ClinVar aggregate classification (germline): Uncertain significance (1 of 4 stars; one submission).

Submission:

Women's Health and Genetics/Laboratory Corporation of America, LabCorp
Classification: Uncertain significance. Last evaluated: 2023-11-03. Review status: criteria provided, single submitter. Criteria: LabCorp Variant Classification Summary - May 2015. Collection method: clinical testing. Allele origin: germline.
Comment: Variant summary: TBX1 c.1069G>T (p.Asp357Tyr) results in a non-conservative amino acid change in the encoded protein sequence. Three of five in-silico tools predict a damaging effect of the variant on protein function. The variant was absent in 32160 control chromosomes. The available data on variant occurrences in the general population are insufficient to allow any conclusion about variant significance. To our knowledge, no occurrence of c.1069G>T in individuals affected with TBX1-Related Disorders and no experimental evidence demonstrating its impact on protein function have been reported. No submitters have cited clinical-significance assessments for this variant to ClinVar after 2014. Based on the evidence outlined above, the variant was classified as uncertain significance.

NM_001379200.1(TBX1):c.1096G>T (p.Asp366Tyr)

Gene: TBX1 (T-box transcription factor 1; plus strand). Cytogenetic location: 22q11.21.
Variant type: single nucleotide variant.
Coding change: c.1096G>T on transcript NM_001379200.1 (MANE Select); coding-DNA position 1096, G replaced by T.
Protein change: p.Asp366Tyr; replaces aspartic acid 366 with tyrosine.
Molecular consequence: missense variant. On other transcripts: intron variant (2).
Genome position (GRCh38, 1-based): chr22:19,766,448, G>T. VCF-style: chr22-19766448-G-T. GRCh37 (hg19) VCF-style: chr22-19753971-G-T.
Other names: c.1069G>T, p.Asp357Tyr (NM_080647.1); c.1009+446G>T (NM_005992.1, NM_080646.2); short protein forms D357Y, D366Y.
Identifiers: ClinVar variation 2682321 (VCV002682321.1), dbSNP rs957453306, ClinGen allele CA410684085.